The following is an entry in ClinVar:

ClinVar aggregate classification (germline): Uncertain significance (1 of 4 stars; one submission).

Submission:

CeGaT Center for Human Genetics Tuebingen
Classification: Uncertain significance. Last evaluated: 2024-03-01. Review status: criteria provided, single submitter. Criteria: CeGaT Center For Human Genetics Tuebingen Variant Classification Criteria Version 2. Collection method: clinical testing. Allele origin: germline. Affected: yes. Observed: 1 variant allele.
Comment: RP1: PM2, BP4

NM_006269.2(RP1):c.4705A>T (p.Thr1569Ser)

Gene: RP1 (RP1 axonemal microtubule associated; plus strand). Cytogenetic location: 8q12.1.
Variant type: single nucleotide variant.
Coding change: c.4705A>T on transcript NM_006269.2 (MANE Select); coding-DNA position 4705, A replaced by T.
Protein change: p.Thr1569Ser; replaces threonine 1569 with serine.
Molecular consequence: missense variant. On other transcripts: intron variant (1).
Genome position (GRCh38, 1-based): chr8:54,628,587, A>T. VCF-style: chr8-54628587-A-T. GRCh37 (hg19) VCF-style: chr8-55541147-A-T.
Other names: c.787+6299A>T (NM_001375654.1); short protein forms T1569S.
Identifiers: ClinVar variation 3025958 (VCV003025958.22), dbSNP rs2536585774, ClinGen allele CA370983005.